The following is an entry in ClinVar:

ClinVar aggregate classification (germline): Uncertain significance. Review status: criteria provided, single submitter (1 of 4 stars). 2 submissions from 2 submitters: Uncertain significance (1). 1 of the submissions does not count toward it. Last evaluated 2025-09-16.

Conditions:
APC-related disorder. Also called: APC-related condition.
Familial adenomatous polyposis 1 (FAP1). Also called: FAMILIAL ADENOMATOUS POLYPOSIS 1, ATTENUATED; POLYPOSIS, ADENOMATOUS INTESTINAL. Identifiers: MedGen C2713442, MONDO:0021056, OMIM 175100. Disease mechanism: loss of function.

Allele frequency attached by ClinVar (database versions not stated): 1000 Genomes Project 30x 0.00016; 1000 Genomes Project 0.00020.

Submissions (2):

Labcorp Genetics (formerly Invitae), Labcorp
Classification: Uncertain significance for Familial adenomatous polyposis 1. Last evaluated: 2025-09-16. Review status: criteria provided, single submitter. Criteria: Invitae Variant Classification Sherloc (09022015). Collection method: clinical testing. Allele origin: germline.
Comment: This variant occurs in a non-coding region of the APC gene. It does not change the encoded amino acid sequence of the APC protein. This variant is not present in population databases (gnomAD no frequency). This variant has not been reported in the literature in individuals affected with APC-related conditions. Experimental studies and prediction algorithms are not available or were not evaluated, and the functional significance of this variant is currently unknown. In summary, the available evidence is currently insufficient to determine the role of this variant in disease. Therefore, it has been classified as a Variant of Uncertain Significance.

PreventionGenetics, part of Exact Sciences
Classification: Likely benign for APC-related condition. Last evaluated: 2019-09-25. Review status: no assertion criteria provided. Collection method: clinical testing. Allele origin: germline. Not counted in ClinVar's aggregate classification.
Comment: This variant is classified as likely benign based on ACMG/AMP sequence variant interpretation guidelines (Richards et al. 2015 PMID: 25741868, with internal and published modifications).

NC_000005.10:g.112707354G>C

Gene: APC (APC regulator of Wnt signaling pathway; plus strand). Cytogenetic location: 5q22.2.
Variant type: single nucleotide variant.
Genome position: GRCh38 VCF-style: chr5-112707354-G-C. GRCh37 (hg19) VCF-style: chr5-112043051-G-C.
Identifiers: ClinVar variation 1034935 (VCV001034935.12), dbSNP rs545524187, ClinGen allele CA124924546.
Genomic context (GRCh38, chr5:112,707,354, plus strand): 5'-AAGGATCTATTAACTGGGCTGCAGCACAATTCAGAGAAGGCCAGTAAGTGCTGCAACTGA[G>C]ACTCGGCTGCCTAGGCAGCAATGGCTCACGGGACAGAACAGCGAAGCAGTGCCCGGCAAG-3'